The following is an entry in ClinVar:

NM_058216.3(RAD51C):c.706-13C>G

Gene: RAD51C (RAD51 paralog C; plus strand). Cytogenetic location: 17q22.
Variant type: single nucleotide variant.
Coding change: c.706-13C>G on transcript NM_058216.3 (MANE Select); 13 bases into the intron before coding-DNA position 706, C replaced by G.
Molecular consequence: intron variant.
Genome position (GRCh38, 1-based): chr17:58,709,846, C>G. VCF-style: chr17-58709846-C-G. GRCh37 (hg19) VCF-style: chr17-56787207-C-G.
Other names: c.706-13C>G (LRG_314t1).
Identifiers: ClinVar variation 379592 (VCV000379592.24), dbSNP rs747406535, ClinGen allele CA8677320.

ClinVar aggregate classification (germline): Conflicting classifications of pathogenicity. Review status: criteria provided, conflicting classifications (1 of 4 stars). 10 submissions from 10 submitters: Uncertain significance (1); Likely benign (8). 1 of the submissions does not count toward it. Last evaluated 2025-12-31.

Conditions:
Hereditary cancer-predisposing syndrome. Also called: Tumor predisposition; Neoplastic Syndromes, Hereditary; Hereditary neoplastic syndrome; Hereditary Cancer Syndrome. Identifiers: Orphanet 140162, MedGen C0027672, MeSH D009386, MONDO:0015356.
Breast and/or ovarian cancer. Identifiers: MedGen CN221562.
Breast-ovarian cancer, familial, susceptibility to, 3. Also called: RAD51C-Related Breast/Ovarian Cancer. Identifiers: Orphanet 145, MedGen C3150659, MONDO:0013253, OMIM 613399.
Fanconi anemia complementation group O. Also called: RAD51C-Related Fanconi Anemia. Identifiers: Orphanet 84, MedGen C3150653, MONDO:0013248, OMIM 613390.

Allele frequency attached by ClinVar (database versions not stated): ExAC 0.00001; gnomAD exomes 0.00002 and 0.00012; TOPMed 0.00002; gnomAD 0.00003.
gnomAD v4.1: 180 of 1,597,188 alleles (0.011%); highest among the groups gnomAD compares: Non-Finnish European, 0.015%; no homozygotes.

Submissions (10):

Labcorp Genetics (formerly Invitae), Labcorp
Classification: Likely benign for Fanconi anemia complementation group O. Last evaluated: 2025-12-31. Review status: criteria provided, single submitter. Criteria: Invitae Variant Classification Sherloc (09022015). Collection method: clinical testing. Allele origin: germline.

Center for Genomic Medicine, Rigshospitalet, Copenhagen University Hospital
Classification: Likely benign. Last evaluated: 2025-03-04. Review status: criteria provided, single submitter. Criteria: ACMG Guidelines, 2015. Collection method: clinical testing. Allele origin: germline.

Blueprint Genetics
Classification: Likely benign. Last evaluated: 2024-03-13. Review status: criteria provided, single submitter. Criteria: ACMG Guidelines, 2015. Collection method: clinical testing. Allele origin: germline.

Myriad Genetics, Inc.
Classification: Likely benign for Breast-ovarian cancer, familial, susceptibility to, 3. Last evaluated: 2023-04-05. Review status: criteria provided, single submitter. Criteria: Myriad Autosomal Dominant, Autosomal Recessive and X-Linked Classification Criteria (2023). Collection method: clinical testing. Allele origin: unknown.
Comment: This variant is considered likely benign. This variant is intronic and is not expected to impact mRNA splicing. This variant is strongly associated with less severe personal and family histories of cancer, typical for individuals without pathogenic variants in this gene [PMID: 25085752].

CHEO Genetics Diagnostic Laboratory, Children's Hospital of Eastern Ontario
Classification: Likely benign for Breast and/or ovarian cancer. Last evaluated: 2022-03-17. Review status: criteria provided, single submitter. Criteria: ACMG Guidelines, 2015. Collection method: clinical testing. Allele origin: germline.

Sema4
Classification: Likely benign for Hereditary cancer-predisposing syndrome. Last evaluated: 2020-07-21. Review status: criteria provided, single submitter. Criteria: Sema4 Curation Guidelines. Collection method: curation. Allele origin: germline.

GeneDx
Classification: Likely benign. Last evaluated: 2019-07-03. Review status: criteria provided, single submitter. Criteria: GeneDx Variant Classification Process June 2021. Collection method: clinical testing. Allele origin: germline. Affected: yes.
Comment: This variant is associated with the following publications: (PMID: 25980754)

Ambry Genetics
Classification: Uncertain significance for Hereditary cancer-predisposing syndrome. Last evaluated: 2016-11-21. Review status: criteria provided, single submitter. Criteria: Ambry Variant Classification Scheme 2023. Collection method: clinical testing. Allele origin: germline.
Comment: The c.706-13C>G intronic alteration consists of a C to G substitution 13 nucleotides before coding exon 5 in the RAD51C gene. Based on insufficient or conflicting evidence, the clinical significance of this alteration remains unclear.

Color Diagnostics, LLC DBA Color Health
Classification: Likely benign for Hereditary cancer-predisposing syndrome. Last evaluated: 2015-07-20. Review status: criteria provided, single submitter. Criteria: ACMG Guidelines, 2015. Collection method: clinical testing. Allele origin: germline.

Counsyl
Classification: Likely benign for Fanconi anemia complementation group O; Breast-ovarian cancer, familial, susceptibility to, 3. Last evaluated: 2017-06-01. Review status: no assertion criteria provided. Collection method: clinical testing. Allele origin: unknown. Not counted in ClinVar's aggregate classification.

Literature cited by the submitters: PubMed 25085752 (cited by Myriad Genetics, Inc.); PubMed 25980754 (cited by Sema4).